The following is an entry in ClinVar:

NM_004260.4(RECQL4):c.-6C>T

Genes: RECQL4 (RecQ like helicase 4; minus strand), LOC130001411 (ATAC-STARR-seq lymphoblastoid silent region 19699; plus strand). Cytogenetic location: 8q24.3.
Variant type: single nucleotide variant.
Coding change: c.-6C>T on transcript NM_004260.4 (MANE Select); 6 bases upstream of the start codon, C replaced by T.
Molecular consequence: 5 prime UTR variant.
Genome position (GRCh38, 1-based): chr8:144,517,790, G>A on the plus strand (C>T on the coding strand, the complement: RECQL4 is on the minus strand). VCF-style: chr8-144517790-G-A. GRCh37 (hg19) VCF-style: chr8-145743174-G-A.
Identifiers: ClinVar variation 1198830 (VCV001198830.11), dbSNP rs35827852, ClinGen allele CA4949515.
Genomic context (GRCh38, chr8:144,517,790, plus strand): 5'-GGAACGCGCGCTCCCACGCCTGCAGCCGCTCCCGCACGTCCCGCAGCCGCTCCATGGCGC[G>A]CGCGCCCGCCCGGCCTCCGCGCTTGCGATCGTCCAGCGAATCTCCCGCGCAGCCGTCGCG-3'

ClinVar aggregate classification (germline): Benign/Likely benign. Review status: criteria provided, multiple submitters, no conflicts (2 of 4 stars). 3 submissions from 3 submitters: Benign (1); Likely benign (2). Last evaluated 2025-03-19.

Allele frequency attached by ClinVar (database versions not stated): ExAC 0.00088; 1000 Genomes Project 0.00499; gnomAD 0.00640 and 0.00694; 1000 Genomes Project 30x 0.00671.
gnomAD v4.1: 1,592 of 1,224,276 alleles (0.13%); highest among the groups gnomAD compares: African/African-American, 2.3%; 20 homozygotes.

Submissions (3):

GeneDx
Classification: Likely benign. Last evaluated: 2025-03-19. Review status: criteria provided, single submitter. Criteria: GeneDx Variant Classification Process June 2021. Collection method: clinical testing. Allele origin: germline. Affected: yes.
Comment: See Variant Classification Assertion Criteria.

Genetic Services Laboratory, University of Chicago
Classification: Benign. Last evaluated: 2019-04-16. Review status: criteria provided, single submitter. Criteria: ACMG Guidelines, 2015. Collection method: clinical testing. Allele origin: germline. Affected: no.

Breakthrough Genomics
Classification: Likely benign. Review status: criteria provided, single submitter. Criteria: ACMG Guidelines, 2015. Collection method: not provided. Allele origin: germline. Inheritance: Autosomal recessive inheritance. Affected: yes.